The following is an entry in ClinVar:

ClinVar aggregate classification (germline): Pathogenic (1 of 4 stars; one submission).

Conditions:
Hereditary cancer-predisposing syndrome. Also called: Tumor predisposition; Neoplastic Syndromes, Hereditary; Hereditary neoplastic syndrome; Hereditary Cancer Syndrome. Identifiers: Orphanet 140162, MedGen C0027672, MeSH D009386, MONDO:0015356.

Submission:

Color Diagnostics, LLC DBA Color Health
Classification: Pathogenic for Hereditary cancer-predisposing syndrome. Last evaluated: 2020-04-08. Review status: criteria provided, single submitter. Criteria: ACMG Guidelines, 2015. Collection method: clinical testing. Allele origin: germline.
Comment: This variant deletes 1 nucleotide in exon 10 of the BMPR1A gene, creating a frameshift and premature translation stop signal. This variant is expected to result in an absent or non-functional protein product. To our knowledge, this variant has not been reported in individuals affected with hereditary cancer in the literature. This variant has not been identified in the general population by the Genome Aggregation Database (gnomAD). Loss of BMPR1A function is a known mechanism of disease. Based on the available evidence, this variant is classified as Pathogenic.

NM_004329.3(BMPR1A):c.1065del (p.Lys355fs)

Gene: BMPR1A (bone morphogenetic protein receptor type 1A; plus strand). Cytogenetic location: 10q23.2.
Variant type: Deletion.
Coding change: c.1065del on transcript NM_004329.3 (MANE Select); coding-DNA position 1065, one base deleted (G; older notation c.1065delG).
Protein change: p.Lys355fs; shifts the reading frame from lysine 355.
Molecular consequence: frameshift variant.
Genome position (GRCh38, 1-based): chr10:86,919,368, G deleted. VCF-style (leftmost placement, unchanged base first): chr10-86919367-AG-A. GRCh37 (hg19) VCF-style: chr10-88679124-AG-A.
Other names: c.1065delG (NM_004329.2); short protein forms K355fs.
Identifiers: ClinVar variation 630668 (VCV000630668.4), dbSNP rs1564724278, ClinGen allele CA913188303.